The following is an entry in ClinVar:

NM_001363118.2(SLC52A2):c.788G>A (p.Gly263Asp)

Gene: SLC52A2 (solute carrier family 52 member 2; plus strand). Cytogenetic location: 8q24.3.
Variant type: single nucleotide variant.
Coding change: c.788G>A on transcript NM_001363118.2 (MANE Select); coding-DNA position 788, G replaced by A.
Protein change: p.Gly263Asp; replaces glycine 263 with aspartic acid.
Molecular consequence: missense variant. On other transcripts: non-coding transcript variant (1).
Genome position (GRCh38, 1-based): chr8:144,360,280, G>A. VCF-style: chr8-144360280-G-A. GRCh37 (hg19) VCF-style: chr8-145583940-G-A.
Other names: c.296G>A, p.Gly99Asp (NM_001438499.1, NM_001438089.1, NM_001438494.1 and 2 more transcripts); c.788G>A, p.Gly263Asp (NM_024531.5, NM_001438495.1, NM_001438496.1 and 5 more transcripts); c.524G>A, p.Gly175Asp (NM_001410949.1); short protein forms G175D, G263D, G99D.
Identifiers: ClinVar variation 4748316 (VCV004748316.1).

ClinVar aggregate classification (germline): Uncertain significance (1 of 4 stars; one submission).

Conditions:
Brown-Vialetto-van Laere syndrome 2. Also called: Riboflavin transporter deficiency type 2; SPINOCEREBELLAR ATAXIA WITH BLINDNESS AND DEAFNESS 2. Identifiers: Orphanet 572543, Orphanet 97229, MedGen C3553538, MONDO:0013867, OMIM 614707.

Submission:

Labcorp Genetics (formerly Invitae), Labcorp
Classification: Uncertain significance for Brown-Vialetto-van Laere syndrome 2. Last evaluated: 2025-03-27. Review status: criteria provided, single submitter. Criteria: Invitae Variant Classification Sherloc (09022015). Collection method: clinical testing. Allele origin: germline.
Comment: This sequence change replaces glycine, which is neutral and non-polar, with aspartic acid, which is acidic and polar, at codon 263 of the SLC52A2 protein (p.Gly263Asp). This variant is present in population databases (no rsID available, gnomAD 0.03%). This variant has not been reported in the literature in individuals affected with SLC52A2-related conditions. Invitae Evidence Modeling of protein sequence and biophysical properties (such as structural, functional, and spatial information, amino acid conservation, physicochemical variation, residue mobility, and thermodynamic stability) indicates that this missense variant is not expected to disrupt SLC52A2 protein function with a negative predictive value of 95%. In summary, the available evidence is currently insufficient to determine the role of this variant in disease. Therefore, it has been classified as a Variant of Uncertain Significance.